The following is an entry in ClinVar:

ClinVar aggregate classification (germline): Uncertain significance. Review status: criteria provided, multiple submitters, no conflicts (2 of 4 stars). 2 submissions from 2 submitters: Uncertain significance (2). Last evaluated 2023-12-14.

Allele frequency attached by ClinVar (database versions not stated): ExAC 0.00004; gnomAD exomes 0.00004 and 0.00006; TOPMed 0.00006; gnomAD 0.00007; ESP Exome Variant Server 0.00008.
gnomAD v4.1: 99 of 1,613,660 alleles (0.0061%); highest among the groups gnomAD compares: Non-Finnish European, 0.0083%; no homozygotes.

Submissions (2):

Blueprint Genetics
Classification: Uncertain significance. Last evaluated: 2023-12-14. Review status: criteria provided, single submitter. Criteria: ACMG Guidelines, 2015. Collection method: clinical testing. Allele origin: germline.

Labcorp Genetics (formerly Invitae), Labcorp
Classification: Uncertain significance. Last evaluated: 2022-04-22. Review status: criteria provided, single submitter. Criteria: Invitae Variant Classification Sherloc (09022015). Collection method: clinical testing. Allele origin: germline.
Comment: This sequence change replaces alanine, which is neutral and non-polar, with valine, which is neutral and non-polar, at codon 429 of the MERTK protein (p.Ala429Val). This variant is present in population databases (rs374989199, gnomAD 0.008%). This variant has not been reported in the literature in individuals affected with MERTK-related conditions. ClinVar contains an entry for this variant (Variation ID: 1011233). Algorithms developed to predict the effect of missense changes on protein structure and function output the following: SIFT: "Tolerated"; PolyPhen-2: "Benign"; Align-GVGD: "Class C0". The valine amino acid residue is found in multiple mammalian species, which suggests that this missense change does not adversely affect protein function. In summary, the available evidence is currently insufficient to determine the role of this variant in disease. Therefore, it has been classified as a Variant of Uncertain Significance.

NM_006343.3(MERTK):c.1286C>T (p.Ala429Val)

Gene: MERTK (MER proto-oncogene, tyrosine kinase; plus strand). Cytogenetic location: 2q13.
Variant type: single nucleotide variant.
Coding change: c.1286C>T on transcript NM_006343.3 (MANE Select); coding-DNA position 1286, C replaced by T.
Protein change: p.Ala429Val; replaces alanine 429 with valine.
Molecular consequence: missense variant.
Genome position (GRCh38, 1-based): chr2:111,982,983, C>T. VCF-style: chr2-111982983-C-T. GRCh37 (hg19) VCF-style: chr2-112740560-C-T.
Other names: short protein forms A429V.
Identifiers: ClinVar variation 1011233 (VCV001011233.7), dbSNP rs374989199, ClinGen allele CA1831315.
Genomic context (GRCh38, chr2:111,982,983, plus strand): 5'-CGACTAAGCAGCAGGATGGAGAACTGGTGGGCTACCGGATATCCCACGTGTGGCAGAGTG[C>T]AGGGATTTCCGTAAGTCTAAACCCTAGAAGAGCACGATTAGTCATCTCCTTTCAACTTGC-3'
Protein context (NP_006334.2, residues 419-439): GYRISHVWQS[Ala429Val]GISKELLEEV